The following is an entry in ClinVar:

ClinVar aggregate classification (germline): Uncertain significance (1 of 4 stars; one submission).

gnomAD v4.1: 2 of 1,613,010 alleles (0.00012%); highest among the groups gnomAD compares: Non-Finnish European, 0.00017%; no homozygotes.

Submission:

Mayo Clinic Laboratories, Mayo Clinic
Classification: Uncertain significance. Last evaluated: 2024-09-13. Review status: criteria provided, single submitter. Criteria: ACMG Guidelines, 2015. Collection method: clinical testing. Allele origin: germline. Observed: 1 variant allele.
Comment: PP3, PM2

NM_020435.4(GJC2):c.773T>A (p.Val258Glu)

Gene: GJC2 (gap junction protein gamma 2; plus strand). Cytogenetic location: 1q42.13.
Variant type: single nucleotide variant.
Coding change: c.773T>A on transcript NM_020435.4 (MANE Select); coding-DNA position 773, T replaced by A.
Protein change: p.Val258Glu; replaces valine 258 with glutamic acid.
Molecular consequence: missense variant.
Genome position (GRCh38, 1-based): chr1:228,158,531, T>A. VCF-style: chr1-228158531-T-A. GRCh37 (hg19) VCF-style: chr1-228346232-T-A.
Other names: p.Val258Glu; short protein forms V258E.
Identifiers: ClinVar variation 3380687 (VCV003380687.1).
Genomic context (GRCh38, chr1:228,158,531, plus strand): 5'-AGGTGCGACCGTTCTTTCCCTGCAGCCGCCAGCCCTGCCCGCACGTGGTGGACTGCTTCG[T>A]GTCGCGCCCTACTGAAAAGACGGTCTTCCTGCTGGTTATGTACGTGGTCAGCTGCCTGTG-3'
Protein context (NP_065168.2, residues 248-268): QPCPHVVDCF[Val258Glu]SRPTEKTVFL